The following is an entry in ClinVar:

ClinVar aggregate classification (germline): Likely pathogenic (1 of 4 stars; one submission).

Conditions:
Autosomal recessive nonsyndromic hearing loss 4 (DFNB4). Also called: Deafness, autosomal recessive 4; FOXI1-Related Pendred Syndrome; KCNJ10-Related Pendred Syndrome; DEAFNESS, AUTOSOMAL RECESSIVE 4, WITH ENLARGED VESTIBULAR AQUEDUCT, DIGENIC; NEUROSENSORY NONSYNDROMIC RECESSIVE DEAFNESS 4; Nonsyndromic enlarged vestibular aqueduct (NSEVA). Identifiers: Orphanet 90636, MedGen C3538946, MONDO:0010933, OMIM 600791.

gnomAD v4.1: 2 of 1,336,686 alleles (0.00015%); highest among the groups gnomAD compares: Non-Finnish European, 0.00021%; no homozygotes.

Submission:

Institute of Rare Diseases, West China Hospital, Sichuan University
Classification: Likely pathogenic for Autosomal recessive nonsyndromic hearing loss 4. Last evaluated: 2025-01-09. Review status: criteria provided, single submitter. Criteria: ClinGen HL ACMG Specifications v1. Collection method: research. Allele origin: germline. Affected: yes.
Comment: PVS1;PM2_Supporting

NM_000441.2(SLC26A4):c.2035-1G>T

Gene: SLC26A4 (solute carrier family 26 member 4; plus strand). Cytogenetic location: 7q22.3.
Variant type: single nucleotide variant.
Coding change: c.2035-1G>T on transcript NM_000441.2 (MANE Select); the canonical splice acceptor site of the intron before coding-DNA position 2035, G replaced by T.
Molecular consequence: splice acceptor variant.
Genome position (GRCh38, 1-based): chr7:107,704,330, G>T. VCF-style: chr7-107704330-G-T. GRCh37 (hg19) VCF-style: chr7-107344775-G-T.
Identifiers: ClinVar variation 3601758 (VCV003601758.1).
Genomic context (GRCh38, chr7:107,704,330, plus strand): 5'-CTACTGAATTATGGGCAGATAAGGTTGTTAATTGTTACAAACTCTCCTTTTTTATTTTTA[G>T]ATTGTCAAAGAATTCCAAAGAATTGATGTGAATGTGTATTTTGCATCACTTCAAGGTAAA-3'